The following is an entry in ClinVar:

NM_000059.4(BRCA2):c.8068G>C (p.Val2690Leu)

Gene: BRCA2 (BRCA2 DNA repair associated; plus strand). Cytogenetic location: 13q13.1.
Variant type: single nucleotide variant.
Coding change: c.8068G>C on transcript NM_000059.4 (MANE Select); coding-DNA position 8068, G replaced by C.
Protein change: p.Val2690Leu; replaces valine 2690 with leucine.
Molecular consequence: missense variant.
Genome position (GRCh38, 1-based): chr13:32,363,270, G>C. VCF-style: chr13-32363270-G-C. GRCh37 (hg19) VCF-style: chr13-32937407-G-C.
Other names: short protein forms V2690L.
Identifiers: ClinVar variation 836975 (VCV000836975.11), dbSNP rs587776471, ClinGen allele CA387749152.

ClinVar aggregate classification (germline): Conflicting classifications of pathogenicity. Review status: criteria provided, conflicting classifications (1 of 4 stars). 2 submissions from 2 submitters: Uncertain significance (1); Likely benign (1). Last evaluated 2026-07-29.

Conditions:
Hereditary breast ovarian cancer syndrome. Also called: Hereditary breast and ovarian cancer; Hereditary breast and ovarian cancer syndrome (HBOC); Hereditary breast and/or ovarian cancer syndrome; Hereditary breast and ovarian cancer syndrome; Breast and ovarian cancer; BRCA1- and BRCA2-Associated Hereditary Breast and Ovarian Cancer. Identifiers: Orphanet 145, MedGen C0677776, MeSH D061325, MONDO:0003582. Disease mechanism: loss of function.
Hereditary cancer-predisposing syndrome. Also called: Tumor predisposition; Hereditary neoplastic syndrome; Neoplastic Syndromes, Hereditary; Hereditary Cancer Syndrome. Identifiers: Orphanet 140162, MedGen C0027672, MeSH D009386, MONDO:0015356.

Submissions (2):

Ambry Genetics
Classification: Likely benign for Hereditary cancer-predisposing syndrome. Last evaluated: 2026-07-29. Review status: criteria provided, single submitter. Criteria: Ambry Variant Classification Scheme 2023. Collection method: clinical testing. Allele origin: germline.

Labcorp Genetics (formerly Invitae), Labcorp
Classification: Uncertain significance for Hereditary breast ovarian cancer syndrome. Last evaluated: 2020-12-25. Review status: criteria provided, single submitter. Criteria: Invitae Variant Classification Sherloc (09022015). Collection method: clinical testing. Allele origin: germline.
Comment: In summary, the available evidence is currently insufficient to determine the role of this variant in disease. Therefore, it has been classified as a Variant of Uncertain Significance. This sequence change replaces valine with leucine at codon 2690 of the BRCA2 protein (p.Val2690Leu). The valine residue is highly conserved and there is a small physicochemical difference between valine and leucine. This variant is not present in population databases (ExAC no frequency). This variant has not been reported in the literature in individuals with BRCA2-related conditions. Algorithms developed to predict the effect of missense changes on protein structure and function are either unavailable or do not agree on the potential impact of this missense change (SIFT: "Deleterious"; PolyPhen-2: "Benign"; Align-GVGD: "Class C0").